The following is an entry in ClinVar:

ClinVar aggregate classification (germline): Likely benign (1 of 4 stars; one submission).

Allele frequency attached by ClinVar (database versions not stated): TOPMed 0.00054; gnomAD 0.00056; gnomAD exomes 0.00059; ExAC 0.00064; ESP Exome Variant Server 0.00131.
gnomAD v4.1: 970 of 1,614,138 alleles (0.06%); highest among the groups gnomAD compares: Middle Eastern, 0.53%; 2 homozygotes.

Submission:

CeGaT Center for Human Genetics Tuebingen
Classification: Likely benign. Last evaluated: 2022-05-01. Review status: criteria provided, single submitter. Criteria: CeGaT Center For Human Genetics Tuebingen Variant Classification Criteria Version 2. Collection method: clinical testing. Allele origin: germline. Affected: yes. Observed: 1 variant allele.
Comment: EHBP1: BP4, BP7

NM_001142616.3(EHBP1):c.1971T>A (p.Ala657=)

Gene: EHBP1 (EH domain binding protein 1; plus strand). Cytogenetic location: 2p15.
Variant type: single nucleotide variant.
Coding change: c.1971T>A on transcript NM_001142616.3 (MANE Select); coding-DNA position 1971, T replaced by A.
Protein change: p.Ala657=; no amino-acid change (alanine 657 retained).
Molecular consequence: synonymous variant. On other transcripts: intron variant (2).
Genome position (GRCh38, 1-based): chr2:62,948,817, T>A. VCF-style: chr2-62948817-T-A. GRCh37 (hg19) VCF-style: chr2-63175952-T-A.
Other names: c.1971T>A, p.Ala657= (NM_001142614.2, NM_001142615.3, NM_001354218.1 and 2 more transcripts); c.2076T>A, p.Ala692= (NM_001354212.1, NM_001354213.1, NM_001354214.1 and 4 more transcripts); c.1575+501T>A (NM_001354221.2); c.1470+501T>A (NM_001354222.2).
Identifiers: ClinVar variation 2650991 (VCV002650991.24), dbSNP rs144376041, ClinGen allele CA1681254.
Genomic context (GRCh38, chr2:62,948,817, plus strand): 5'-TTCCAATACAGATTCAACCCAAGCACAGGTTTTGTTAGGCAAAAAGAGACTATTGAAAGC[T>A]GAGACTTTAGAATTGAGTGACTTATATGTTAGTGATAAGAAGAAGGATATGTCTCCACCC-3'
Protein context (NP_001136088.1, residues 647-667): VLLGKKRLLK[Ala657=]ETLELSDLYV